The following is an entry in ClinVar:

NM_005619.5(RTN2):c.526C>T (p.Pro176Ser)

Genes: OPA3-RTN2 (OPA3-RTN2 readthrough; minus strand), RTN2 (reticulon 2; minus strand). Cytogenetic location: 19q13.32.
Variant type: single nucleotide variant.
Coding change: c.526C>T on transcript NM_005619.5 (MANE Select); coding-DNA position 526, C replaced by T.
Protein change: p.Pro176Ser; replaces proline 176 with serine.
Molecular consequence: missense variant.
Genome position (GRCh38, 1-based): chr19:45,494,559, G>A on the plus strand (C>T on the coding strand, the complement: RTN2 is on the minus strand). VCF-style: chr19-45494559-G-A. GRCh37 (hg19) VCF-style: chr19-45997817-G-A.
Other names: c.526C>T, p.Pro176Ser (NM_206900.3); short protein forms P176S.
Identifiers: ClinVar variation 458238 (VCV000458238.9), dbSNP rs772248018, ClinGen allele CA308955032.

ClinVar aggregate classification (germline): Uncertain significance (1 of 4 stars; one submission).

Conditions:
Spastic paraplegia. Identifiers: MedGen C0037772, HP:0001258.

Allele frequency attached by ClinVar (database versions not stated): gnomAD exomes below 0.00001; TOPMed below 0.00001.
gnomAD v4.1: 1 of 1,614,096 alleles (0.000062%); highest among the groups gnomAD compares: Admixed American, 0.0017%; no homozygotes.

Submission:

Labcorp Genetics (formerly Invitae), Labcorp
Classification: Uncertain significance for Spastic paraplegia. Last evaluated: 2023-02-09. Review status: criteria provided, single submitter. Criteria: Invitae Variant Classification Sherloc (09022015). Collection method: clinical testing. Allele origin: germline.
Comment: This variant is present in population databases (rs772248018, gnomAD 0.003%). In summary, the available evidence is currently insufficient to determine the role of this variant in disease. Therefore, it has been classified as a Variant of Uncertain Significance. Algorithms developed to predict the effect of missense changes on protein structure and function output the following: SIFT: "Tolerated"; PolyPhen-2: "Benign"; Align-GVGD: "Class C0". The serine amino acid residue is found in multiple mammalian species, which suggests that this missense change does not adversely affect protein function. ClinVar contains an entry for this variant (Variation ID: 458238). This variant has not been reported in the literature in individuals affected with RTN2-related conditions. This sequence change replaces proline, which is neutral and non-polar, with serine, which is neutral and polar, at codon 176 of the RTN2 protein (p.Pro176Ser).